The following is an entry in ClinVar:

ClinVar aggregate classification (germline): Benign. Review status: criteria provided, multiple submitters, no conflicts (2 of 4 stars). 7 submissions from 7 submitters: Benign (6). 1 of the submissions does not count toward it. Last evaluated 2026-03-01.

Conditions:
Congenital hyperammonemia, type I. Also called: Carbamoyl-phosphate synthase I deficiency; CPS I DEFICIENCY; Carbamoyl phosphate synthetase I deficiency disease; Carbamoyl phosphate synthetase 1 deficiency; Hyperammonemia due to carbamoyl phosphate synthetase 1 deficiency; CPS 1 deficiency. Identifiers: Orphanet 147, MedGen C4082171, MONDO:0009376, OMIM 237300.

Allele frequency attached by ClinVar (database versions not stated): 1000 Genomes Project 30x 0.00406; 1000 Genomes Project 0.00419; TOPMed 0.00937; ESP Exome Variant Server 0.01030.
gnomAD v4.1: 20,962 of 1,612,368 alleles (1.3%); highest among the groups gnomAD compares: Non-Finnish European, 1.4%; 196 homozygotes.

Submissions (7):

CeGaT Center for Human Genetics Tuebingen
Classification: Benign. Last evaluated: 2026-03-01. Review status: criteria provided, single submitter. Criteria: CeGaT Center For Human Genetics Tuebingen Variant Classification Criteria Version 2. Collection method: clinical testing. Allele origin: germline. Affected: yes. Observed: 14 variant alleles.
Comment: CPS1: BP4, BP7, BS1, BS2

Labcorp Genetics (formerly Invitae), Labcorp
Classification: Benign for Congenital hyperammonemia, type I. Last evaluated: 2026-02-04. Review status: criteria provided, single submitter. Criteria: Invitae Variant Classification Sherloc (09022015). Collection method: clinical testing. Allele origin: germline.

Illumina Laboratory Services, Illumina
Classification: Benign for Congenital hyperammonemia, type I. Last evaluated: 2018-01-13. Review status: criteria provided, single submitter. Criteria: ICSL Variant Classification Criteria 13 December 2019. Collection method: clinical testing. Allele origin: germline.
Comment: This variant was observed in the ICSL laboratory as part of a predisposition screen in an ostensibly healthy population. It had not been previously curated by ICSL or reported in the Human Gene Mutation Database (HGMD: prior to June 1st, 2018), and was therefore a candidate for classification through an automated scoring system. Utilizing variant allele frequency, disease prevalence and penetrance estimates, and inheritance mode, an automated score was calculated to assess if this variant is too frequent to cause the disease. Based on the score and internal cut-off values, a variant classified as benign is not then subjected to further curation. The score for this variant resulted in a classification of benign for this disease.

GeneDx
Classification: Benign. Last evaluated: 2016-08-29. Review status: criteria provided, single submitter. Criteria: GeneDx Variant Classification (06012015). Collection method: clinical testing. Allele origin: germline. Affected: yes.
Comment: This variant is considered likely benign or benign based on one or more of the following criteria: it is a conservative change, it occurs at a poorly conserved position in the protein, it is predicted to be benign by multiple in silico algorithms, and/or has population frequency not consistent with disease.

Breakthrough Genomics
Classification: Benign. Review status: criteria provided, single submitter. Criteria: ACMG Guidelines, 2015. Collection method: not provided. Allele origin: germline. Inheritance: Autosomal recessive inheritance. Affected: yes.

PreventionGenetics, part of Exact Sciences
Classification: Benign. Review status: criteria provided, single submitter. Criteria: ACMG Guidelines, 2015. Collection method: clinical testing. Allele origin: germline.

Natera, Inc.
Classification: Benign for Carbamoyl-phosphate synthase I deficiency. Last evaluated: 2020-09-16. Review status: no assertion criteria provided. Collection method: clinical testing. Allele origin: germline. Not counted in ClinVar's aggregate classification.

NM_001875.5(CPS1):c.2265C>A (p.Ser755=)

Gene: CPS1 (carbamoyl-phosphate synthase 1; plus strand). Cytogenetic location: 2q34.
Variant type: single nucleotide variant.
Coding change: c.2265C>A on transcript NM_001875.5 (MANE Select); coding-DNA position 2265, C replaced by A.
Protein change: p.Ser755=; no amino-acid change (serine 755 retained).
Molecular consequence: synonymous variant. On other transcripts: non-coding transcript variant (2).
Genome position (GRCh38, 1-based): chr2:210,608,433, C>A. VCF-style: chr2-210608433-C-A. GRCh37 (hg19) VCF-style: chr2-211473157-C-A.
Other names: c.2265C>A (LRG_336t1); c.2265C>A, p.Ser755= (NM_001122633.3, NM_001369257.1); c.2298C>A, p.Ser766= (NM_001369256.1).
Identifiers: ClinVar variation 258478 (VCV000258478.33), dbSNP rs41272667, ClinGen allele CA2086597.